The following is an entry in ClinVar:

NC_000018.9:g.(?_11880968)_(11881134_?)del

Gene: GNAL (G protein subunit alpha L; plus strand). Cytogenetic location: 18p11.21.
Variant type: Deletion.
Identifiers: ClinVar variation 1373653 (VCV001373653.6).

ClinVar aggregate classification (germline): Uncertain significance (1 of 4 stars; one submission).

Conditions:
Dystonic disorder. Also called: Dystonia. Identifiers: MedGen C0013421, MONDO:0003441, HP:0001332.

Submission:

Labcorp Genetics (formerly Invitae), Labcorp
Classification: Uncertain significance for Dystonic disorder. Last evaluated: 2021-05-19. Review status: criteria provided, single submitter. Criteria: Invitae Variant Classification Sherloc (09022015). Collection method: clinical testing. Allele origin: germline.
Comment: This variant has been observed in individual(s) with dystonia (Invitae). In summary, the available evidence is currently insufficient to determine the role of this variant in disease. Therefore, it has been classified as a Variant of Uncertain Significance. This variant disrupts a region of the protein in which other variant(s) (p.Gly340Ser) have been observed in individuals with GNAL-related conditions (PMID: 27123488). This suggests that this may be a clinically significant region of the GNAL protein. This variant is a gross deletion of the genomic region encompassing exon(s) 13 of the GNAL gene. The 5' boundary is likely confined to intron 12. The 3' end of this event is unknown as it extends through the termination codon beyond the assayed region for this gene and may encompass additional genes. While this deletion is not anticipated to lead to nonsense mediated decay, it is expected to alter mRNA translation or result in a truncated protein product.

Literature cited by the submitters: PubMed 27123488.